The following is an entry in ClinVar:

ClinVar aggregate classification (germline): Uncertain significance. Review status: criteria provided, multiple submitters, no conflicts (2 of 4 stars). 2 submissions from 2 submitters: Uncertain significance (2). Last evaluated 2025-07-24.

Conditions:
Cardiovascular phenotype. Identifiers: MedGen CN230736.
Lethal congenital glycogen storage disease of heart. Also called: PHOSPHORYLASE KINASE DEFICIENCY OF HEART; GLYCOGEN STORAGE DISEASE OF HEART. Identifiers: Orphanet 439854, MedGen C1849813, MONDO:0009867, OMIM 261740.

Allele frequency attached by ClinVar (database versions not stated): gnomAD exomes below 0.00001; TOPMed below 0.00001.
gnomAD v4.1: 4 of 1,614,078 alleles (0.00025%); highest among the groups gnomAD compares: East Asian, 0.0022%; no homozygotes.

Submissions (2):

Ambry Genetics
Classification: Uncertain significance for Cardiovascular phenotype. Last evaluated: 2025-07-24. Review status: criteria provided, single submitter. Criteria: Ambry Variant Classification Scheme 2023. Collection method: clinical testing. Allele origin: germline.
Comment: The p.R190C variant (also known as c.568C>T), located in coding exon 4 of the PRKAG2 gene, results from a C to T substitution at nucleotide position 568. The arginine at codon 190 is replaced by cysteine, an amino acid with highly dissimilar properties. This amino acid position is conserved. In addition, this alteration is predicted to be deleterious by in silico analysis. Based on the available evidence, the clinical significance of this variant remains unclear.

Labcorp Genetics (formerly Invitae), Labcorp
Classification: Uncertain significance for Lethal congenital glycogen storage disease of heart. Last evaluated: 2022-08-07. Review status: criteria provided, single submitter. Criteria: Invitae Variant Classification Sherloc (09022015). Collection method: clinical testing. Allele origin: germline.
Comment: This sequence change replaces arginine, which is basic and polar, with cysteine, which is neutral and slightly polar, at codon 190 of the PRKAG2 protein (p.Arg190Cys). This variant is not present in population databases (gnomAD no frequency). This variant has not been reported in the literature in individuals affected with PRKAG2-related conditions. Algorithms developed to predict the effect of missense changes on protein structure and function (SIFT, PolyPhen-2, Align-GVGD) all suggest that this variant is likely to be tolerated. In summary, the available evidence is currently insufficient to determine the role of this variant in disease. Therefore, it has been classified as a Variant of Uncertain Significance.

NM_016203.4(PRKAG2):c.568C>T (p.Arg190Cys)

Gene: PRKAG2 (protein kinase AMP-activated non-catalytic subunit gamma 2; minus strand). Cytogenetic location: 7q36.1.
Variant type: single nucleotide variant.
Coding change: c.568C>T on transcript NM_016203.4 (MANE Select); coding-DNA position 568, C replaced by T.
Protein change: p.Arg190Cys; replaces arginine 190 with cysteine.
Molecular consequence: missense variant.
Genome position (GRCh38, 1-based): chr7:151,675,536, G>A on the plus strand (C>T on the coding strand, the complement: PRKAG2 is on the minus strand). VCF-style: chr7-151675536-G-A. GRCh37 (hg19) VCF-style: chr7-151372622-G-A.
Other names: c.436C>T, p.Arg146Cys (NM_001040633.2, NM_001407024.1, NM_001407026.1 and 1 more transcripts); c.196C>T, p.Arg66Cys (NM_001304527.2, NM_001363698.2, NM_001407028.1 and 1 more transcripts); c.568C>T, p.Arg190Cys (NM_001407021.1, NM_001407022.1, NM_001407023.1); c.250C>T, p.Arg84Cys (NM_001407032.1); c.568C>T (NM_016203.3); short protein forms R146C, R190C, R66C, R84C.
Identifiers: ClinVar variation 1898118 (VCV001898118.6), dbSNP rs202200501, ClinGen allele CA169447538.
Genomic context (GRCh38, chr7:151,675,536, plus strand): 5'-GGAAGGAAGACGGGCAGAACCTCTGCCCTGTGTCCGGGGGGGAAGACGAGGCATAGATGC[G>A]ATTCTCTAACCGTTCAGGCTCGTGCTTATAGGATTCCAGGGGAAACGTGTGCTGCTTGGT-3'
Protein context (NP_057287.2, residues 180-200): YKHEPERLEN[Arg190Cys]IYASSSPPDT